The following is an entry in ClinVar:

ClinVar aggregate classification (germline): Uncertain significance (1 of 4 stars; one submission).

Submission:

Labcorp Genetics (formerly Invitae), Labcorp
Classification: Uncertain significance. Last evaluated: 2023-07-21. Review status: criteria provided, single submitter. Criteria: Invitae Variant Classification Sherloc (09022015). Collection method: clinical testing. Allele origin: germline.
Comment: This sequence change replaces lysine, which is basic and polar, with arginine, which is basic and polar, at codon 84 of the ADNP protein (p.Lys84Arg). This variant is not present in population databases (gnomAD no frequency). This variant has not been reported in the literature in individuals affected with ADNP-related conditions. ClinVar contains an entry for this variant (Variation ID: 1719650). An algorithm developed to predict the effect of missense changes on protein structure and function (PolyPhen-2) suggests that this variant is likely to be disruptive. In summary, the available evidence is currently insufficient to determine the role of this variant in disease. Therefore, it has been classified as a Variant of Uncertain Significance.

NM_001282531.3(ADNP):c.251A>G (p.Lys84Arg)

Gene: ADNP (activity dependent neuroprotector homeobox; minus strand). Cytogenetic location: 20q13.13.
Variant type: single nucleotide variant.
Coding change: c.251A>G on transcript NM_001282531.3 (MANE Select); coding-DNA position 251, A replaced by G.
Protein change: p.Lys84Arg; replaces lysine 84 with arginine.
Molecular consequence: missense variant.
Genome position (GRCh38, 1-based): chr20:50,894,463, T>C on the plus strand (A>G on the coding strand, the complement: ADNP is on the minus strand). VCF-style: chr20-50894463-T-C. GRCh37 (hg19) VCF-style: chr20-49511000-T-C.
Other names: c.251A>G, p.Lys84Arg (NM_001282532.2, NM_001347511.2, NM_015339.5 and 1 more transcripts); short protein forms K84R.
Identifiers: ClinVar variation 1719650 (VCV001719650.5), dbSNP rs2515592854, ClinGen allele CA408979838.